The following is an entry in ClinVar:

NM_004260.4(RECQL4):c.1064G>T (p.Arg355Leu)

Gene: RECQL4 (RecQ like helicase 4; minus strand). Cytogenetic location: 8q24.3.
Variant type: single nucleotide variant.
Coding change: c.1064G>T on transcript NM_004260.4 (MANE Select); coding-DNA position 1064, G replaced by T.
Protein change: p.Arg355Leu; replaces arginine 355 with leucine.
Molecular consequence: missense variant.
Genome position (GRCh38, 1-based): chr8:144,516,055, C>A on the plus strand (G>T on the coding strand, the complement: RECQL4 is on the minus strand). VCF-style: chr8-144516055-C-A. GRCh37 (hg19) VCF-style: chr8-145741439-C-A.
Other names: short protein forms R355L.
Identifiers: ClinVar variation 1430623 (VCV001430623.7), dbSNP rs374743591, ClinGen allele CA4949088.

ClinVar aggregate classification (germline): Uncertain significance (1 of 4 stars; one submission).

Conditions:
Baller-Gerold syndrome (BGS). Also called: CRANIOSYNOSTOSIS WITH RADIAL DEFECTS. Identifiers: Orphanet 1225, MedGen C0265308, MONDO:0009039, OMIM 218600.

gnomAD v4.1: 3 of 1,612,646 alleles (0.00019%); highest among the groups gnomAD compares: Non-Finnish European, 0.00025%; no homozygotes.

Submission:

Labcorp Genetics (formerly Invitae), Labcorp
Classification: Uncertain significance for Baller-Gerold syndrome. Last evaluated: 2023-11-13. Review status: criteria provided, single submitter. Criteria: Invitae Variant Classification Sherloc (09022015). Collection method: clinical testing. Allele origin: germline.
Comment: This sequence change replaces arginine, which is basic and polar, with leucine, which is neutral and non-polar, at codon 355 of the RECQL4 protein (p.Arg355Leu). This variant is present in population databases (rs374743591, gnomAD 0.0009%). This variant has not been reported in the literature in individuals affected with RECQL4-related conditions. ClinVar contains an entry for this variant (Variation ID: 1430623). Advanced modeling of protein sequence and biophysical properties (such as structural, functional, and spatial information, amino acid conservation, physicochemical variation, residue mobility, and thermodynamic stability) performed at Invitae indicates that this missense variant is expected to disrupt RECQL4 protein function with a positive predictive value of 80%. In summary, the available evidence is currently insufficient to determine the role of this variant in disease. Therefore, it has been classified as a Variant of Uncertain Significance.